The following is an entry in ClinVar:

NM_002471.4(MYH6):c.2540C>G (p.Thr847Arg)

Gene: MYH6 (myosin heavy chain 6; minus strand). Cytogenetic location: 14q11.2.
Variant type: single nucleotide variant.
Coding change: c.2540C>G on transcript NM_002471.4 (MANE Select); coding-DNA position 2540, C replaced by G.
Protein change: p.Thr847Arg; replaces threonine 847 with arginine.
Molecular consequence: missense variant.
Genome position (GRCh38, 1-based): chr14:23,394,213, G>C on the plus strand (C>G on the coding strand, the complement: MYH6 is on the minus strand). VCF-style: chr14-23394213-G-C. GRCh37 (hg19) VCF-style: chr14-23863422-G-C.
Other names: short protein forms T847R.
Identifiers: ClinVar variation 1310063 (VCV001310063.4), dbSNP rs759408374, ClinGen allele CA389014409.

ClinVar aggregate classification (germline): Uncertain significance. Review status: criteria provided, multiple submitters, no conflicts (2 of 4 stars). 2 submissions from 2 submitters: Uncertain significance (2). Last evaluated 2024-06-12.

Conditions:
Hypertrophic cardiomyopathy 14. Identifiers: MedGen C2750467, MONDO:0013197, OMIM 613251.

gnomAD v4.1: 3 of 1,614,194 alleles (0.00019%); highest among the groups gnomAD compares: East Asian, 0.0022%; no homozygotes.

Submissions (2):

Labcorp Genetics (formerly Invitae), Labcorp
Classification: Uncertain significance for Hypertrophic cardiomyopathy 14. Last evaluated: 2024-06-12. Review status: criteria provided, single submitter. Criteria: Invitae Variant Classification Sherloc (09022015). Collection method: clinical testing. Allele origin: germline.
Comment: This sequence change replaces threonine, which is neutral and polar, with arginine, which is basic and polar, at codon 847 of the MYH6 protein (p.Thr847Arg). This variant is present in population databases (no rsID available, gnomAD 0.003%). This variant has not been reported in the literature in individuals affected with MYH6-related conditions. ClinVar contains an entry for this variant (Variation ID: 1310063). Advanced modeling of protein sequence and biophysical properties (such as structural, functional, and spatial information, amino acid conservation, physicochemical variation, residue mobility, and thermodynamic stability) performed at Invitae indicates that this missense variant is expected to disrupt MYH6 protein function with a positive predictive value of 80%. In summary, the available evidence is currently insufficient to determine the role of this variant in disease. Therefore, it has been classified as a Variant of Uncertain Significance.

GeneDx
Classification: Uncertain significance. Last evaluated: 2019-10-31. Review status: criteria provided, single submitter. Criteria: GeneDx Variant Classification Process June 2021. Collection method: clinical testing. Allele origin: germline. Affected: yes.
Comment: Not observed at a significant frequency in large population cohorts (Lek et al., 2016); In silico analysis, which includes protein predictors and evolutionary conservation, supports a deleterious effect; Has not been previously published as pathogenic or benign to our knowledge